The following continues an entry in ClinVar:

NM_000441.2(SLC26A4):c.1489G>A (p.Gly497Ser)

Gene: SLC26A4. ClinVar aggregate classification (germline): Pathogenic. Pathogenic (18).

Submissions 13 to 21 of 21:

Victorian Clinical Genetics Services, Murdoch Childrens Research Institute
Classification: Pathogenic for Autosomal recessive nonsyndromic hearing loss 4. Last evaluated: 2021-05-06. Review status: criteria provided, single submitter. Criteria: ACMG Guidelines, 2015. Collection method: clinical testing. Allele origin: germline. Inheritance: Autosomal recessive inheritance. Affected: yes.
Comment: Based on the classification scheme VCGS_Germline_v1.3.4, this variant is classified as Pathogenic. Following criteria are met: 0102 - Loss of function is a known mechanism of disease in this gene and is associated with deafness, autosomal recessive 4, with enlarged vestibular aqueduct (MIM#600791) and Pendred syndrome (MIM#274600). While the p.(Gly497Ser) variant is typically reported in the context of deafness with enlarged vestibular aqueduct (MIM#600791), it cannot be ruled out that individuals with this variant will develop thyroid dysfunction in the future. (I) 0106 - This gene is associated with autosomal recessive disease. (I) 0200 - Variant is predicted to result in a missense amino acid change from glycine to serine. (I) 0252 - This variant is homozygous. (I) 0304 - Variant is present in gnomAD (v3) <0.01 for a recessive condition (9 heterozygotes, 0 homozygotes). (SP) 0501 - Missense variant consistently predicted to be damaging by multiple in silico tools or highly conserved with a major amino acid change. (SP) 0604 - Variant is not located in an established domain, motif, hotspot or informative constraint region. (I) 0801 - This variant has strong previous evidence of pathogenicity in unrelated individuals. This variant has been reported in many individuals with hearing loss in a homozygous or compound heterozygous state (ClinVar, PMID:28964290, 9500541, 26763877). (I) Legend: (SP) - Supporting pathogenic, (I) - Information, (SB) - Supporting benign

Blueprint Genetics
Classification: Pathogenic for SLC26A4-related disorders. Last evaluated: 2020-09-07. Review status: criteria provided, single submitter. Criteria: ACMG Guidelines, 2015. Collection method: clinical testing. Allele origin: germline. Affected: yes. Observed: 2 variant alleles.

King Laboratory, University of Washington
Classification: Pathogenic for Autosomal recessive nonsyndromic hearing loss 4. Last evaluated: 2020-08-01. Review status: criteria provided, single submitter. Criteria: Abu Rayyan A et al. (Proc Natl Acad Sci U S A 2020). Collection method: research. Allele origin: germline. Affected: yes.
Comment: SLC26A4 c.1489G>A, p.G497S alters a residue of SLC26A4 that is previously shown to damage protein function. The variant is homozygous in 3 Palestinian children with pre-lingual hearing loss (Abu Rayyan 2020). It is absent from 1300 Palestinian controls and is present in 7/282774 alleles on gnomAD, all heterozygotes.

CeGaT Center for Human Genetics Tuebingen
Classification: Pathogenic. Last evaluated: 2019-12-01. Review status: criteria provided, single submitter. Criteria: CeGaT Center For Human Genetics Tuebingen Variant Classification Criteria Version 2. Collection method: clinical testing. Allele origin: germline. Affected: yes. Observed: 5 variant alleles.

Laboratory for Molecular Medicine, Mass General Brigham Personalized Medicine
Classification: Pathogenic for Rare genetic deafness. Last evaluated: 2011-12-23. Review status: criteria provided, single submitter. Criteria: LMM Criteria. Collection method: clinical testing. Allele origin: germline. Inheritance: Autosomal recessive inheritance. Observed: 6 variant alleles.
Comment: The Gly497Ser variant in SLC26A4 has been reported in six probands with Pendred syndrome or sensorineural hearing loss (Scott 2000, Bogazzi 2004, Gardner 2006, Jiang 2010, Li 1998, Pera 2008, Prasad 2004, Yoon 2008). Four of these probands were homozygous or compound heterozygous. Functional studies have shown that the Gly487Ser variant inhibits protein function (Scott 2000, Yoon 2008). In summary , this variant meets our criteria to be classified as pathogenic.

Genetics Research Center, University of Social Welfare and Rehabilitation Sciences
Classification: Pathogenic for Autosomal recessive nonsyndromic hearing loss 4. Review status: criteria provided, single submitter. Criteria: ACMG Guidelines, 2015. Collection method: research. Allele origin: germline. Affected: yes.
Comment: The variant is present in the gnomAD v2.1.1 dataset at a very low allele frequency (0.002%) and has been previously reported in individual(s) affected with SLC26A4-related hearing loss (PMID:34680964, 27771369, 28964290, 30139988, 31387071, 31599023, 9500541, 26763877, 29546359, 30275481, 34426522, 32747562, 31589614, 33152970, 32645618). Experimental studies have shown that this missense change affects SLC26A4 function (PMID: 10861298, 18310264). It has also been observed to segregate with disease in related individuals. Prediction tools support the deleterious effect of the variant.

National Institute of Sensory Organs, National Hospital Organization Tokyo Medical Center
Classification: Affects for Autosomal recessive nonsyndromic hearing loss 4. Last evaluated: 2019-08-20. Review status: no assertion criteria provided. Collection method: clinical testing, in vitro. Allele origin: germline. Inheritance: Autosomal recessive inheritance. Affected: yes. Functional consequence: loss_of_function_variant. Not counted in ClinVar's aggregate classification.
Comment: in vitro experiment

Counsyl
Classification: Pathogenic for Pendred syndrome. Last evaluated: 2018-02-21. Review status: no assertion criteria provided. Collection method: clinical testing. Allele origin: unknown. Not counted in ClinVar's aggregate classification.

Department of Otolaryngology – Head & Neck Surgery, Cochlear Implant Center
Classification: Uncertain significance for Hearing impairment. Last evaluated: 2021-04-12. Review status: flagged submission. Criteria: ClinGen HL ACMG Specifications v1. Collection method: clinical testing. Allele origin: germline. Affected: yes. Not counted in ClinVar's aggregate classification.
Comment: PM2_Moderate, PP3_Supporting
ClinVar note: Reason: Outlier claim with insufficient supporting evidence

Literature cited by the submitters: PubMed 32747562 (cited by 3 submitters); PubMed 31599023 (cited by 3 submitters); PubMed 30139988 (cited by 3 submitters); PubMed 9500541 (cited by 7 submitters); PubMed 26763877 (cited by 4 submitters); PubMed 28964290 (cited by 4 submitters); PubMed 10861298 (cited by 6 submitters); PubMed 18310264 (cited by 5 submitters); PubMed 25394566 (cited by Natera, Inc.); PubMed 31387071 (cited by Natera, Inc. and Genetics Research Center, University of Social Welfare and Rehabilitation Sciences); PubMed 16950989 (cited by 3 submitters); PubMed 25290043 (cited by Natera, Inc. and Women's Health and Genetics/Laboratory Corporation of America, LabCorp); PubMed 32645618 (cited by Natera, Inc. and Genetics Research Center, University of Social Welfare and Rehabilitation Sciences); PubMed 33152970 (cited by Natera, Inc. and Genetics Research Center, University of Social Welfare and Rehabilitation Sciences); PubMed 40300787 (cited by Natera, Inc.); PubMed 14679580 (cited by Laboratory for Molecular Medicine, Mass General Brigham Personalized Medicine and Counsyl); PubMed 18285825 (cited by Laboratory for Molecular Medicine, Mass General Brigham Personalized Medicine and Counsyl); PubMed 15279074 (cited by Laboratory for Molecular Medicine, Mass General Brigham Personalized Medicine); PubMed 20842945 (cited by Laboratory for Molecular Medicine, Mass General Brigham Personalized Medicine); PubMed 11317356 (cited by Laboratory for Molecular Medicine, Mass General Brigham Personalized Medicine); PubMed 34680964 (cited by Genetics Research Center, University of Social Welfare and Rehabilitation Sciences); PubMed 27771369 (cited by Genetics Research Center, University of Social Welfare and Rehabilitation Sciences and National Institute of Sensory Organs, National Hospital Organization Tokyo Medical Center); PubMed 29546359 (cited by Genetics Research Center, University of Social Welfare and Rehabilitation Sciences and National Institute of Sensory Organs, National Hospital Organization Tokyo Medical Center); PubMed 30275481 (cited by Genetics Research Center, University of Social Welfare and Rehabilitation Sciences); PubMed 34426522 (cited by Genetics Research Center, University of Social Welfare and Rehabilitation Sciences); PubMed 31589614 (cited by Genetics Research Center, University of Social Welfare and Rehabilitation Sciences); PubMed 15679828 (cited by Counsyl); PubMed 25373420 (cited by Counsyl); PubMed 25372295 (cited by Counsyl); PubMed 23918157 (cited by Counsyl); PubMed 26445815 (cited by Counsyl); PubMed 25788563 (cited by Counsyl).